The following is an entry in ClinVar:

NM_000053.4(ATP7B):c.3599A>C (p.Gln1200Pro)

Gene: ATP7B (ATPase copper transporting beta; minus strand). Cytogenetic location: 13q14.3.
Variant type: single nucleotide variant.
Coding change: c.3599A>C on transcript NM_000053.4 (MANE Select); coding-DNA position 3599, A replaced by C.
Protein change: p.Gln1200Pro; replaces glutamine 1200 with proline.
Molecular consequence: missense variant.
Genome position (GRCh38, 1-based): chr13:51,939,151, T>G on the plus strand (A>C on the coding strand, the complement: ATP7B is on the minus strand). VCF-style: chr13-51939151-T-G. GRCh37 (hg19) VCF-style: chr13-52513287-T-G.
Other names: c.2978A>C, p.Gln993Pro (NM_001005918.3); c.3266A>C, p.Gln1089Pro (NM_001243182.2); c.3365A>C, p.Gln1122Pro (NM_001330578.2, NM_001406527.1, NM_001406528.1); c.3347A>C, p.Gln1116Pro (NM_001330579.2, NM_001406531.1, NM_001406532.1); c.3599A>C, p.Gln1200Pro (NM_001406511.1, NM_001406512.1, NM_001406526.1); c.3593A>C, p.Gln1198Pro (NM_001406513.1); c.3566A>C, p.Gln1189Pro (NM_001406514.1); c.3545A>C, p.Gln1182Pro (NM_001406515.1, NM_001406516.1); and 20 more; short protein forms Q1006P, Q1036P, Q1038P, Q1051P, Q1057P, Q1074P, Q1087P, Q1089P.
Identifiers: ClinVar variation 4756545 (VCV004756545.1).
Genomic context (GRCh38, chr13:51,939,151, plus strand): 5'-GTGATCAGAACCACGTCCACACCCATGCTCTGCAGCGTGTGCACAGCCAGGGCAGCCTCC[T>G]GCTTGACAGCGTCTGCGATTGCGATCATCCCACAGAGCACACCTGGAGCGAACCAGCCAG-3'
Protein context (NP_000044.2, residues 1190-1210): GMIAIADAVK[Gln1200Pro]EAALAVHTLQ

ClinVar aggregate classification (germline): Uncertain significance (1 of 4 stars; one submission).

Conditions:
Wilson disease (WND). Also called: Wilson's disease. Identifiers: Orphanet 905, MedGen C0019202, MONDO:0010200, OMIM 277900. Disease mechanism: loss of function.

gnomAD v4.1: 16 of 1,614,222 alleles (0.00099%); highest among the groups gnomAD compares: South Asian, 0.015%; no homozygotes.

Submission:

Color Diagnostics, LLC DBA Color Health
Classification: Uncertain significance for Wilson disease. Last evaluated: 2025-09-12. Review status: criteria provided, single submitter. Criteria: ACMG Guidelines, 2015. Collection method: clinical testing. Allele origin: germline.
Comment: This missense variant replaces glutamine with proline at codon 1200 of the ATP7B protein. Computational prediction suggests that this variant may not impact protein structure and function. To our knowledge, functional studies have not been reported for this variant. This variant has not been reported in individuals affected with ATP7B-related disorders in the literature. This variant has been identified in 5/249532 chromosomes in the general population by the Genome Aggregation Database (gnomAD). The available evidence is insufficient to determine the role of this variant in disease conclusively. Therefore, this variant is classified as a Variant of Uncertain Significance.